The following is an entry in ClinVar:

ClinVar aggregate classification (germline): Uncertain significance (1 of 4 stars; one submission).

Conditions:
RASopathy. Also called: rasopathies; Noonan spectrum disorder. Identifiers: Orphanet 536391, MedGen C5555857, MONDO:0021060.

Submission:

Labcorp Genetics (formerly Invitae), Labcorp
Classification: Uncertain significance for RASopathy. Last evaluated: 2024-03-25. Review status: criteria provided, single submitter. Criteria: Invitae Variant Classification Sherloc (09022015). Collection method: clinical testing. Allele origin: germline.
Comment: This sequence change affects codon 158 of the CBL mRNA. It is a 'silent' change, meaning that it does not change the encoded amino acid sequence of the CBL protein. This variant is not present in population databases (gnomAD no frequency). This variant has not been reported in the literature in individuals affected with CBL-related conditions. Algorithms developed to predict the effect of sequence changes on RNA splicing suggest that this variant may create or strengthen a splice site. In summary, the available evidence is currently insufficient to determine the role of this variant in disease. Therefore, it has been classified as a Variant of Uncertain Significance.

NM_005188.4(CBL):c.474C>T (p.Phe158=)

Gene: CBL (Cbl proto-oncogene; plus strand). Cytogenetic location: 11q23.3.
Variant type: single nucleotide variant.
Coding change: c.474C>T on transcript NM_005188.4 (MANE Select); coding-DNA position 474, C replaced by T.
Protein change: p.Phe158=; no amino-acid change (phenylalanine 158 retained).
Molecular consequence: synonymous variant.
Genome position (GRCh38, 1-based): chr11:119,271,765, C>T. VCF-style: chr11-119271765-C-T. GRCh37 (hg19) VCF-style: chr11-119142475-C-T.
Identifiers: ClinVar variation 3640435 (VCV003640435.2).
Genomic context (GRCh38, chr11:119,271,765, plus strand): 5'-GTTTAATTATTGCATTCTGATCATTTGTAGGCGAAACCTAACCAAACTGTCCCTCATCTT[C>T]AGCCACATGCTGGCAGAACTAAAAGGAATCTTTCCAAGTGGACTCTTTCAGGGAGACACA-3'
Protein context (NP_005179.2, residues 148-168): RRNLTKLSLI[Phe158=]SHMLAELKGI